The following is an entry in ClinVar:

NM_001378974.1(FBXW11):c.1180G>A (p.Asp394Asn)

Gene: FBXW11 (F-box and WD repeat domain containing 11; minus strand). Cytogenetic location: 5q35.1.
Variant type: single nucleotide variant.
Coding change: c.1180G>A on transcript NM_001378974.1 (MANE Select); coding-DNA position 1180, G replaced by A.
Protein change: p.Asp394Asn; replaces aspartic acid 394 with asparagine.
Molecular consequence: missense variant.
Genome position (GRCh38, 1-based): chr5:171,876,326, C>T on the plus strand (G>A on the coding strand, the complement: FBXW11 is on the minus strand). VCF-style: chr5-171876326-C-T. GRCh37 (hg19) VCF-style: chr5-171303330-C-T.
Other names: c.1111G>A, p.Asp371Asn (NM_001378975.1); c.1084G>A, p.Asp362Asn (NM_001378976.1); c.1021G>A, p.Asp341Asn (NM_001378977.1, NM_001378978.1, NM_001378979.1); c.1015G>A, p.Asp339Asn (NM_001378980.1, NM_033645.3); c.1117G>A, p.Asp373Asn (NM_012300.3); c.1078G>A, p.Asp360Asn (NM_033644.3); short protein forms D339N, D341N, D360N, D362N, D371N, D373N, D394N.
Identifiers: ClinVar variation 5020377 (VCV005020377.1).

ClinVar aggregate classification (germline): Uncertain significance (1 of 4 stars; one submission).

Submission:

Dasa
Classification: Uncertain significance. Last evaluated: 2026-06-15. Review status: criteria provided, single submitter. Criteria: DASA Assertion Criteria. Collection method: clinical testing. Allele origin: germline.
Comment: NM_001378974.1(FBXW11):c.1180G>A (p.Asp394Asn) is a missense variant that results in the substitution of aspartic acid with asparagine. This variant is rare in population databases. Computational prediction algorithms are consistent with a benign effect. The currently available literature and clinical evidence are not sufficient to establish a definitive association between this variant and the reported condition. Therefore, this variant is classified as a variant of uncertain significance.